The following is an entry in ClinVar:

NM_004046.6(ATP5F1A):c.385G>A (p.Asp129Asn)

Gene: ATP5F1A (ATP synthase F1 subunit alpha; minus strand). Cytogenetic location: 18q21.1.
Variant type: single nucleotide variant.
Coding change: c.385G>A on transcript NM_004046.6 (MANE Select); coding-DNA position 385, G replaced by A.
Protein change: p.Asp129Asn; replaces aspartic acid 129 with asparagine.
Molecular consequence: missense variant.
Genome position (GRCh38, 1-based): chr18:46,089,921, C>T on the plus strand (G>A on the coding strand, the complement: ATP5F1A is on the minus strand). VCF-style: chr18-46089921-C-T. GRCh37 (hg19) VCF-style: chr18-43669887-C-T.
Other names: c.235G>A, p.Asp79Asn (NM_001001935.3, NM_001257335.2); c.385G>A, p.Asp129Asn (NM_001001937.2, NM_001257334.2); short protein forms D129N, D79N.
Identifiers: ClinVar variation 3907676 (VCV003907676.1).
Genomic context (GRCh38, chr18:46,089,921, plus strand): 5'-GACCCAACAGCTCCTCACCAACTGGAACGTCCACAATGGCTCCTGTCCTCTTCACTATAT[C>T]TCCTTCCTTAATTAGTTTATCATTTCCAAACACGACAACACCAACATTGTCAGGTTCCAA-3'
Protein context (NP_004037.1, residues 119-139): FGNDKLIKEG[Asp129Asn]IVKRTGAIVD

ClinVar aggregate classification (germline): Uncertain significance (1 of 4 stars; one submission).

Conditions:
Mitochondrial complex V (ATP synthase) deficiency, nuclear type 4A (MC5DN4A). Identifiers: MedGen C5830480, MONDO:0957254, OMIM 620358.

Submission:

MVZ Medizinische Genetik Mainz
Classification: Uncertain significance for Mitochondrial complex V (ATP synthase) deficiency, nuclear type 4A. Last evaluated: 2025-06-12. Review status: criteria provided, single submitter. Criteria: UK Practice Guidelines For Variant Classification V4 01 2020. Collection method: clinical testing. Allele origin: germline. Inheritance: Autosomal dominant inheritance. Affected: yes. Observed: 1 variant allele.
Comment: ACMG Criteria: PP3_MOD,PM2_SUP